The following is an entry in ClinVar:

NM_006019.4(TCIRG1):c.630G>A (p.Thr210=)

Gene: TCIRG1 (T cell immune regulator 1, ATPase H+ transporting V0 subunit a3; plus strand). Cytogenetic location: 11q13.2.
Variant type: single nucleotide variant.
Coding change: c.630G>A on transcript NM_006019.4 (MANE Select); coding-DNA position 630, G replaced by A.
Protein change: p.Thr210=; no amino-acid change (threonine 210 retained).
Molecular consequence: synonymous variant. On other transcripts: 5 prime UTR variant (2).
Genome position (GRCh38, 1-based): chr11:68,043,497, G>A. VCF-style: chr11-68043497-G-A. GRCh37 (hg19) VCF-style: chr11-67810964-G-A.
Other names: c.-281G>A (NM_001351059.2); c.-19G>A (NM_006053.4); c.630G>A (NM_006019.3).
Identifiers: ClinVar variation 1458586 (VCV001458586.13), dbSNP rs1293760338, ClinGen allele CA475446380.

ClinVar aggregate classification (germline): Pathogenic/Likely pathogenic. Review status: criteria provided, multiple submitters, no conflicts (2 of 4 stars). 4 submissions from 4 submitters: Pathogenic (2); Likely pathogenic (2). Last evaluated 2025-05-12.

Conditions:
Autosomal recessive osteopetrosis 1. Also called: TCIRG1-Related Autosomal Recessive Osteopetrosis; ALBERS-SCHONBERG DISEASE, AUTOSOMAL RECESSIVE; TCIRG1-Related Osteopetrosis. Identifiers: Orphanet 667, MedGen C1850127, MONDO:0009815, OMIM 259700.

Allele frequency attached by ClinVar (database versions not stated): gnomAD 0.00001; gnomAD exomes 0.00001; TOPMed 0.00001.
gnomAD v4.1: 5 of 1,572,278 alleles (0.00032%); highest among the groups gnomAD compares: African/African-American, 0.0027%; no homozygotes.

Submissions (4):

Natera, Inc.
Classification: Likely pathogenic for Infantile malignant osteopetrosis. Last evaluated: 2025-05-12. Review status: criteria provided, single submitter. Criteria: Natera Variant Classification Schema (03/2026). Collection method: clinical testing. Allele origin: germline.
Comment: The c.630G>A variant in TCIRG1 is a synonymous variant that does not alter the encoded amino acid at position 210 (p.T210=). This variant is rare in the general population with a frequency below the threshold expected for the associated phenotype(s). This variant has been observed in one or more individuals affected with the associated recessive disease, as either homozygous or compound heterozygous with a second variant (PMID: 31111556, 27323593). Functional studies show that this variant may disrupt protein function (PMID: 31111556). Computational prediction algorithms indicate this variant is likely to affect gene or protein function. Given the available evidence, this variant is classified as Likely Pathogenic.

Labcorp Genetics (formerly Invitae), Labcorp
Classification: Pathogenic. Last evaluated: 2024-03-09. Review status: criteria provided, single submitter. Criteria: Invitae Variant Classification Sherloc (09022015). Collection method: clinical testing. Allele origin: germline.
Comment: This sequence change affects codon 210 of the TCIRG1 mRNA. It is a 'silent' change, meaning that it does not change the encoded amino acid sequence of the TCIRG1 protein. This variant also falls at the last nucleotide of exon 6, which is part of the consensus splice site for this exon. The frequency data for this variant in the population databases is considered unreliable, as metrics indicate poor data quality at this position in the gnomAD database. This variant has been observed in individual(s) with osteopetrosis (PMID: 30539151, 31111556). In at least one individual the data is consistent with being in trans (on the opposite chromosome) from a pathogenic variant. ClinVar contains an entry for this variant (Variation ID: 1458586). Studies have shown that this variant alters TCIRG1 gene expression (PMID: 31111556). Variants that disrupt the consensus splice site are a relatively common cause of aberrant splicing (PMID: 17576681, 9536098). Algorithms developed to predict the effect of sequence changes on RNA splicing suggest that this variant may disrupt the consensus splice site. For these reasons, this variant has been classified as Pathogenic.

Baylor Genetics
Classification: Pathogenic for Autosomal recessive osteopetrosis 1. Last evaluated: 2023-08-02. Review status: criteria provided, single submitter. Criteria: ACMG Guidelines, 2015. Collection method: clinical testing. Allele origin: unknown.

Juno Genomics, Hangzhou Juno Genomics, Inc
Classification: Likely pathogenic for Autosomal recessive osteopetrosis 1. Review status: criteria provided, single submitter. Criteria: ACMG Guidelines, 2015. Collection method: clinical testing. Allele origin: germline.
Comment: Absent from controls (or at extremely low frequency if recessive) in Genome Aggregation Database.;Well-established in vitro or in vivo functional studies supportive of a damaging effect on the gene or gene product.;For recessive disorders, detected in trans with a pathogenic variant.;Patient's phenotype or family history is highly specific for a disease with a single genetic etiology.

Literature cited by the submitters: PubMed 31111556 (cited by Natera, Inc. and Labcorp Genetics (formerly Invitae), Labcorp); PubMed 27323593 (cited by Natera, Inc.); PubMed 30539151 (cited by Labcorp Genetics (formerly Invitae), Labcorp); PubMed 17576681 (cited by Labcorp Genetics (formerly Invitae), Labcorp); PubMed 9536098 (cited by Labcorp Genetics (formerly Invitae), Labcorp).